The following is an entry in ClinVar:

NM_000090.4(COL3A1):c.2065G>T (p.Ala689Ser)

Gene: COL3A1 (collagen type III alpha 1 chain; plus strand). Cytogenetic location: 2q32.2.
Variant type: single nucleotide variant.
Coding change: c.2065G>T on transcript NM_000090.4 (MANE Select); coding-DNA position 2065, G replaced by T.
Protein change: p.Ala689Ser; replaces alanine 689 with serine.
Molecular consequence: missense variant.
Genome position (GRCh38, 1-based): chr2:188,999,327, G>T. VCF-style: chr2-188999327-G-T. GRCh37 (hg19) VCF-style: chr2-189864053-G-T.
Other names: p.Ala689Ser; short protein forms A689S.
Identifiers: ClinVar variation 333058 (VCV000333058.8), dbSNP rs886055331, ClinGen allele CA10611757.

ClinVar aggregate classification (germline): Uncertain significance. Review status: criteria provided, multiple submitters, no conflicts (2 of 4 stars). 3 submissions from 3 submitters: Uncertain significance (3). Last evaluated 2024-03-06.

Conditions:
Ehlers-Danlos syndrome, type 4 (EDSVASC). Also called: Ehlers-Danlos Syndrome Type IV; Ehlers-Danlos syndrome vascular type; Ehlers Danlos syndrome, ecchymotic type; Ehlers Danlos syndrome, arterial type; Ehlers Danlos syndrome, Sack-Barabas type. Identifiers: Orphanet 286, MedGen C0268338, MONDO:0017314, OMIM 130050.
Familial thoracic aortic aneurysm and aortic dissection (TAAD). Also called: Thoracic aortic aneurysms and dissections. Identifiers: Orphanet 91387, MedGen C4707243, MONDO:0019625.

Allele frequency attached by ClinVar (database versions not stated): gnomAD exomes 0.00001; TOPMed 0.00001.

Submissions (3):

Color Diagnostics, LLC DBA Color Health
Classification: Uncertain significance for Familial thoracic aortic aneurysm and aortic dissection. Last evaluated: 2024-03-06. Review status: criteria provided, single submitter. Criteria: ACMG Guidelines, 2015. Collection method: clinical testing. Allele origin: germline.
Comment: This missense variant replaces alanine with serine at codon 689 of the COL3A1 protein. Computational prediction suggests that this variant may not impact protein structure and function (internally defined REVEL score threshold <= 0.5, PMID: 27666373). To our knowledge, functional studies have not been reported for this variant. This variant has not been reported in individuals affected with cardiovascular disorders in the literature. This variant has not been identified in the general population by the Genome Aggregation Database (gnomAD). The available evidence is insufficient to determine the role of this variant in disease conclusively. Therefore, this variant is classified as a Variant of Uncertain Significance.

Mayo Clinic Laboratories, Mayo Clinic
Classification: Uncertain significance. Last evaluated: 2024-02-15. Review status: criteria provided, single submitter. Criteria: ACMG Guidelines, 2015. Collection method: clinical testing. Allele origin: germline. Observed: 1 variant allele.
Comment: BP4, PP2, PM2

Illumina Laboratory Services, Illumina
Classification: Uncertain significance for Ehlers-Danlos syndrome, type 4. Last evaluated: 2018-01-12. Review status: criteria provided, single submitter. Criteria: ICSL Variant Classification Criteria 13 December 2019. Collection method: clinical testing. Allele origin: germline.